The following is an entry in ClinVar:

ClinVar aggregate classification (germline): Uncertain significance (1 of 4 stars; one submission).

Allele frequency attached by ClinVar (database versions not stated): gnomAD exomes below 0.00001; ExAC 0.00001.
gnomAD v4.1: 2 of 1,614,168 alleles (0.00012%); highest among the groups gnomAD compares: South Asian, 0.0011%; no homozygotes.

Submission:

Labcorp Genetics (formerly Invitae), Labcorp
Classification: Uncertain significance. Last evaluated: 2022-05-19. Review status: criteria provided, single submitter. Criteria: Invitae Variant Classification Sherloc (09022015). Collection method: clinical testing. Allele origin: germline.
Comment: This variant is present in population databases (rs143461619, gnomAD 0.003%). This sequence change replaces alanine, which is neutral and non-polar, with threonine, which is neutral and polar, at codon 186 of the TTC19 protein (p.Ala186Thr). In summary, the available evidence is currently insufficient to determine the role of this variant in disease. Therefore, it has been classified as a Variant of Uncertain Significance. Algorithms developed to predict the effect of missense changes on protein structure and function (SIFT, PolyPhen-2, Align-GVGD) all suggest that this variant is likely to be disruptive. This variant has not been reported in the literature in individuals affected with TTC19-related conditions.

NM_017775.4(TTC19):c.556G>A (p.Ala186Thr)

Gene: TTC19 (tetratricopeptide repeat domain 19; plus strand). Cytogenetic location: 17p12.
Variant type: single nucleotide variant.
Coding change: c.556G>A on transcript NM_017775.4 (MANE Select); coding-DNA position 556, G replaced by A.
Protein change: p.Ala186Thr; replaces alanine 186 with threonine.
Molecular consequence: missense variant.
Genome position (GRCh38, 1-based): chr17:16,004,237, G>A. VCF-style: chr17-16004237-G-A. GRCh37 (hg19) VCF-style: chr17-15907551-G-A.
Other names: c.235G>A, p.Ala79Thr (NM_001271420.2); short protein forms A186T, A79T.
Identifiers: ClinVar variation 1996282 (VCV001996282.4), dbSNP rs143461619, ClinGen allele CA8407439.